The following is an entry in ClinVar:

NM_006015.6(ARID1A):c.3524C>T (p.Pro1175Leu)

Genes: ARID1A (AT-rich interaction domain 1A; plus strand), LOC126805670 (CDK7 strongly-dependent group 2 enhancer GRCh37_chr1:27098665-27099864; plus strand). Cytogenetic location: 1p36.11.
Variant type: single nucleotide variant.
Coding change: c.3524C>T on transcript NM_006015.6 (MANE Select); coding-DNA position 3524, C replaced by T.
Protein change: p.Pro1175Leu; replaces proline 1175 with leucine.
Molecular consequence: missense variant.
Genome position (GRCh38, 1-based): chr1:26,772,617, C>T. VCF-style: chr1-26772617-C-T. GRCh37 (hg19) VCF-style: chr1-27099108-C-T.
Other names: c.3524C>T, p.Pro1175Leu (NM_139135.4); short protein forms P1175L.
Identifiers: ClinVar variation 133547 (VCV000133547.10), dbSNP rs145886877, ClinGen allele CA156912.

ClinVar aggregate classification (germline): Benign/Likely benign. Review status: criteria provided, multiple submitters, no conflicts (2 of 4 stars). 4 submissions from 4 submitters: Benign (1); Likely benign (2). 1 of the submissions does not count toward it. Last evaluated 2025-07-14.

Conditions:
Inborn genetic diseases. Identifiers: MedGen C0950123, MeSH D030342.

Allele frequency attached by ClinVar (database versions not stated): gnomAD 0.00003; ExAC 0.00004; gnomAD exomes 0.00005 and 0.00016; TOPMed 0.00007; ESP Exome Variant Server 0.00015.

Submissions (4):

Labcorp Genetics (formerly Invitae), Labcorp
Classification: Benign. Last evaluated: 2025-07-14. Review status: criteria provided, single submitter. Criteria: Invitae Variant Classification Sherloc (09022015). Collection method: clinical testing. Allele origin: germline.

Ambry Genetics
Classification: Likely benign for Inborn genetic diseases. Last evaluated: 2025-04-13. Review status: criteria provided, single submitter. Criteria: Ambry Variant Classification Scheme 2023. Collection method: clinical testing. Allele origin: germline.

GeneDx
Classification: Likely benign. Last evaluated: 2020-05-26. Review status: criteria provided, single submitter. Criteria: GeneDx Variant Classification Process June 2021. Collection method: clinical testing. Allele origin: germline. Affected: yes.
Comment: This variant is associated with the following publications: (PMID: 24728327)

ITMI
No classification provided. Condition: AllHighlyPenetrant. Last evaluated: 2013-09-19. Review status: no classification provided. Collection method: reference population. Allele origin: germline. Not counted in ClinVar's aggregate classification.
Comment: Please see associated publication for description of ethnicities

Literature cited by the submitters: PubMed 24728327 (cited by ITMI).